The following is an entry in ClinVar:

NM_015272.5(RPGRIP1L):c.882+140T>C

Gene: RPGRIP1L (RPGRIP1 like; minus strand). Cytogenetic location: 16q12.2.
Variant type: single nucleotide variant.
Coding change: c.882+140T>C on transcript NM_015272.5 (MANE Select); 140 bases into the intron after coding-DNA position 882, T replaced by C.
Molecular consequence: intron variant.
Genome position (GRCh38, 1-based): chr16:53,674,877, A>G on the plus strand (T>C on the coding strand, the complement: RPGRIP1L is on the minus strand). VCF-style: chr16-53674877-A-G. GRCh37 (hg19) VCF-style: chr16-53708789-A-G.
Other names: c.882+140T>C (NM_001127897.4, NM_001330538.2, NM_001308334.3).
Identifiers: ClinVar variation 678985 (VCV000678985.1), dbSNP rs189766524, ClinGen allele CA281361765.
Genomic context (GRCh38, chr16:53,674,877, plus strand): 5'-TAATTATTTCTTTAGTGCTTGAGTTATAAATAATAAACAATATATTAAGGGAAATGATAC[A>G]CATTTGTGAATACAAAGAACAATCCTTCAAAATTATGTTCTAGTGTTATGATAATTCCAT-3'

ClinVar aggregate classification (germline): Likely benign (1 of 4 stars; one submission).

Allele frequency attached by ClinVar (database versions not stated): 1000 Genomes Project 30x 0.00500; gnomAD 0.00385 and 0.00406; 1000 Genomes Project 0.00399; gnomAD exomes 0.00097; TOPMed 0.00417.
gnomAD v4.1: 1,059 of 618,518 alleles (0.17%); highest among the groups gnomAD compares: African/African-American, 1%; 7 homozygotes.

Submission:

GeneDx
Classification: Likely benign. Last evaluated: 2018-06-16. Review status: criteria provided, single submitter. Criteria: GeneDx Variant Classification (06012015). Collection method: clinical testing. Allele origin: germline. Affected: yes.
Comment: This variant is considered likely benign or benign based on one or more of the following criteria: it is a conservative change, it occurs at a poorly conserved position in the protein, it is predicted to be benign by multiple in silico algorithms, and/or has population frequency not consistent with disease.